The following is an entry in ClinVar:

NM_001458.5(FLNC):c.2266-3C>T

Gene: FLNC (filamin C; plus strand). Cytogenetic location: 7q32.1.
Variant type: single nucleotide variant.
Coding change: c.2266-3C>T on transcript NM_001458.5 (MANE Select); 3 bases into the intron before coding-DNA position 2266, C replaced by T.
Molecular consequence: intron variant.
Genome position (GRCh38, 1-based): chr7:128,842,572, C>T. VCF-style: chr7-128842572-C-T. GRCh37 (hg19) VCF-style: chr7-128482626-C-T.
Other names: c.2266-3C>T (NM_001127487.2).
Identifiers: ClinVar variation 472002 (VCV000472002.68), dbSNP rs369153392, ClinGen allele CA4474675.

ClinVar aggregate classification (germline): Benign/Likely benign. Review status: criteria provided, multiple submitters, no conflicts (2 of 4 stars). 8 submissions from 8 submitters: Benign (3); Likely benign (4). 1 of the submissions does not count toward it. Last evaluated 2026-01-19.

Conditions:
FLNC-related disorder. Also called: FLNC-related condition; FLNC-related disorders.
Cardiovascular phenotype. Identifiers: MedGen CN230736.
Hypertrophic cardiomyopathy 26. Also called: Cardiomyopathy, familial hypertrophic, 26. Identifiers: Orphanet 75249, MedGen C4310749, MONDO:0014883, OMIM 617047.
Myofibrillar myopathy 5. Also called: Filaminopathy (type); FILAMINOPATHY, AUTOSOMAL DOMINANT. Identifiers: Orphanet 171445, MedGen C1836050, MONDO:0012289, OMIM 609524.
Distal myopathy with posterior leg and anterior hand involvement. Also called: WILLIAMS DISTAL MYOPATHY. Identifiers: Orphanet 63273, MedGen C3279722, MONDO:0013550, OMIM 614065.

Allele frequency attached by ClinVar (database versions not stated): gnomAD exomes 0.00005 and 0.00011; ESP Exome Variant Server 0.00017; ExAC 0.00027; 1000 Genomes Project 30x 0.00031; gnomAD 0.00036 and 0.00040; TOPMed 0.00051; 1000 Genomes Project 0.00080.
gnomAD v4.1: 131 of 1,549,178 alleles (0.0085%); highest among the groups gnomAD compares: African/African-American, 0.14%; no homozygotes.

Submissions (8):

Labcorp Genetics (formerly Invitae), Labcorp
Classification: Likely benign for Distal myopathy with posterior leg and anterior hand involvement; Myofibrillar myopathy 5; Hypertrophic cardiomyopathy 26. Last evaluated: 2026-01-19. Review status: criteria provided, single submitter. Criteria: Invitae Variant Classification Sherloc (09022015). Collection method: clinical testing. Allele origin: germline.

CeGaT Center for Human Genetics Tuebingen
Classification: Benign. Last evaluated: 2025-06-01. Review status: criteria provided, single submitter. Criteria: CeGaT Center For Human Genetics Tuebingen Variant Classification Criteria Version 2. Collection method: clinical testing. Allele origin: germline. Affected: yes. Observed: 1 variant allele.
Comment: FLNC: BP4, BS1, BS2

Molecular Diagnostic Laboratory for Inherited Cardiovascular Disease, Montreal Heart Institute
Classification: Likely benign. Last evaluated: 2025-04-09. Review status: criteria provided, single submitter. Criteria: ACMG Guidelines, 2015. Collection method: clinical testing. Allele origin: germline. Affected: no.

Women's Health and Genetics/Laboratory Corporation of America, LabCorp
Classification: Benign. Last evaluated: 2025-02-24. Review status: criteria provided, single submitter. Criteria: LabCorp Variant Classification Summary - May 2015. Collection method: clinical testing. Allele origin: germline.

Blueprint Genetics
Classification: Likely benign. Last evaluated: 2024-11-14. Review status: criteria provided, single submitter. Criteria: ACMG Guidelines, 2015. Collection method: clinical testing. Allele origin: germline.

GeneDx
Classification: Benign. Last evaluated: 2020-12-14. Review status: criteria provided, single submitter. Criteria: GeneDx Variant Classification Process June 2021. Collection method: clinical testing. Allele origin: germline. Affected: yes.

Ambry Genetics
Classification: Likely benign for Cardiovascular phenotype. Last evaluated: 2019-08-01. Review status: criteria provided, single submitter. Criteria: Ambry Variant Classification Scheme 2023. Collection method: clinical testing. Allele origin: germline.

PreventionGenetics, part of Exact Sciences
Classification: Likely benign for FLNC-related condition. Last evaluated: 2024-06-10. Review status: no assertion criteria provided. Collection method: clinical testing. Allele origin: germline. Not counted in ClinVar's aggregate classification.
Comment: This variant is classified as likely benign based on ACMG/AMP sequence variant interpretation guidelines (Richards et al. 2015 PMID: 25741868, with internal and published modifications).